The following is an entry in ClinVar:

NM_005427.4(TP73):c.1196+1G>A

Gene: TP73 (tumor protein p73; plus strand). Cytogenetic location: 1p36.32.
Variant type: single nucleotide variant.
Coding change: c.1196+1G>A on transcript NM_005427.4 (MANE Select); the canonical splice donor site of the intron after coding-DNA position 1196, G replaced by A.
Molecular consequence: splice donor variant.
Genome position (GRCh38, 1-based): chr1:3,729,449, G>A. VCF-style: chr1-3729449-G-A. GRCh37 (hg19) VCF-style: chr1-3646013-G-A.
Other names: NC_000001.10:g.3646013G>A; IVS10DS, G-A, +1; c.1196+1G>A (NM_001204184.2, NM_001204185.2, NM_001204187.2 and 2 more transcripts); c.1049+1G>A (NM_001126240.3, NM_001126241.3, NM_001126242.3 and 3 more transcripts); c.983+1G>A (NM_001204192.2).
Identifiers: ClinVar variation 1192319 (VCV001192319.3), dbSNP rs2124533497, ClinGen allele CA338032242.
Genomic context (GRCh38, chr1:3,729,449, plus strand): 5'-GTTGGTGCCGCAGCCACTGGTGGACTCCTATCGGCAGCAGCAGCAGCTCCTACAGAGGCC[G>A]TGAGTCAGCCCTAGCCCACCATCAGTGTGGGGAAGGAGGACATGGCTTAACCCCCCAGGA-3'

ClinVar aggregate classification (germline): Pathogenic. Review status: criteria provided, single submitter (1 of 4 stars). 2 submissions from 2 submitters: Pathogenic (1). 1 of the submissions does not count toward it. Last evaluated 2025-10-03.

Conditions:
Ciliary dyskinesia, primary, 47, and lissencephaly (CILD47). Identifiers: MedGen C5561951, MONDO:0030346, OMIM 619466.

Submissions (3):

3billion
Classification: Pathogenic for Ciliary dyskinesia, primary, 47, and lissencephaly. Last evaluated: 2025-10-03. Review status: criteria provided, single submitter. Criteria: ACMG Guidelines, 2015. Collection method: clinical testing. Allele origin: germline. Affected: yes.
Comment: The variant is not observed in the gnomAD v4.1.0 dataset. Predicted Consequence/Location: Canonical splice site: predicted to alter splicing and result in a loss or disruption of normal protein function. Multiple pathogenic loss-of-function variants are reported downstream of the variant. Functional studies provide moderate evidence of the variant having a damaging effect on the gene or gene product (PMID: 34077761). The variant has been reported to be associated with TP73-related disorder (ClinVar ID: VCV001192319 /PMID: 34077761). Therefore, this variant is classified as Pathogenic according to the recommendation of ACMG/AMP guideline.

OMIM
Classification: Pathogenic for CILIARY DYSKINESIA, PRIMARY, 47, AND LISSENCEPHALY. Last evaluated: 2021-08-06. Review status: no assertion criteria provided. Collection method: literature only. Allele origin: germline. Not counted in ClinVar's aggregate classification.

Dr. Peter K. Rogan Lab, Western University
No classification provided (evidence only). Condition: Colon adenocarcinoma. Review status: no classification provided. Collection method: in vitro. Allele origin: not applicable. Functional consequence: retained intron. Not counted in ClinVar's aggregate classification.

Literature cited by the submitters: PubMed 34077761 (cited by 3billion and OMIM).